The following is an entry in ClinVar:

NM_017654.4(SAMD9):c.1882T>C (p.Ser628Pro)

Gene: SAMD9 (sterile alpha motif domain containing 9; minus strand). Cytogenetic location: 7q21.2.
Variant type: single nucleotide variant.
Coding change: c.1882T>C on transcript NM_017654.4 (MANE Select); coding-DNA position 1882, T replaced by C.
Protein change: p.Ser628Pro; replaces serine 628 with proline.
Molecular consequence: missense variant.
Genome position (GRCh38, 1-based): chr7:93,104,216, A>G on the plus strand (T>C on the coding strand, the complement: SAMD9 is on the minus strand). VCF-style: chr7-93104216-A-G. GRCh37 (hg19) VCF-style: chr7-92733529-A-G.
Other names: c.1882T>C, p.Ser628Pro (NM_001193307.2); short protein forms S628P.
Identifiers: ClinVar variation 3949641 (VCV003949641.1).
Genomic context (GRCh38, chr7:93,104,216, plus strand): 5'-TATCTTCTTCCTTTTTCAGAAGGACAGTCGATAAACCAATAGATGGCAAAAGCCTTTTTG[A>G]AGATTGAGTCACAGATTTTAGTTTAAGAATAGTGCCATTGATCTCTTCAAGGCTTAAAGC-3'
Protein context (NP_060124.2, residues 618-638): ILKLKSVTQS[Ser628Pro]KRLLPSIGLS

ClinVar aggregate classification (germline): Uncertain significance (1 of 4 stars; one submission).

Conditions:
Inborn genetic diseases. Identifiers: MedGen C0950123, MeSH D030342.

Submission:

Ambry Genetics
Classification: Uncertain significance for Inborn genetic diseases. Last evaluated: 2025-05-17. Review status: criteria provided, single submitter. Criteria: Ambry Variant Classification Scheme 2023. Collection method: clinical testing. Allele origin: germline.
Comment: The p.S628P variant (also known as c.1882T>C), located in coding exon 1 of the SAMD9 gene, results from a T to C substitution at nucleotide position 1882. The serine at codon 628 is replaced by proline, an amino acid with similar properties. This amino acid position is conserved. In addition, this alteration is predicted to be tolerated by in silico analysis. Based on the available evidence, the clinical significance of this variant remains unclear.